The following is an entry in ClinVar:

ClinVar aggregate classification (germline): Uncertain significance. Review status: criteria provided, multiple submitters, no conflicts (2 of 4 stars). 2 submissions from 2 submitters: Uncertain significance (2). Last evaluated 2025-09-06.

Allele frequency attached by ClinVar (database versions not stated): TOPMed 0.00002; gnomAD exomes 0.00004; gnomAD 0.00005; ExAC 0.00012.

Submissions (2):

Labcorp Genetics (formerly Invitae), Labcorp
Classification: Uncertain significance. Last evaluated: 2025-09-06. Review status: criteria provided, single submitter. Criteria: Invitae Variant Classification Sherloc (09022015). Collection method: clinical testing. Allele origin: germline.
Comment: This sequence change replaces arginine, which is basic and polar, with glutamine, which is neutral and polar, at codon 804 of the KIF20A protein (p.Arg804Gln). This variant is present in population databases (rs201151118, gnomAD 0.04%). This variant has not been reported in the literature in individuals affected with KIF20A-related conditions. ClinVar contains an entry for this variant (Variation ID: 2420386). An algorithm developed to predict the effect of missense changes on protein structure and function outputs the following: PolyPhen-2: "Benign". The glutamine amino acid residue is found in multiple mammalian species, which suggests that this missense change does not adversely affect protein function. In summary, the available evidence is currently insufficient to determine the role of this variant in disease. Therefore, it has been classified as a Variant of Uncertain Significance.

Ambry Genetics
Classification: Uncertain significance. Last evaluated: 2025-02-13. Review status: criteria provided, single submitter. Criteria: Ambry Variant Classification Scheme 2023. Collection method: clinical testing. Allele origin: germline.

NM_005733.3(KIF20A):c.2411G>A (p.Arg804Gln)

Gene: KIF20A (kinesin family member 20A; plus strand). Cytogenetic location: 5q31.2.
Variant type: single nucleotide variant.
Coding change: c.2411G>A on transcript NM_005733.3 (MANE Select); coding-DNA position 2411, G replaced by A.
Protein change: p.Arg804Gln; replaces arginine 804 with glutamine.
Molecular consequence: missense variant.
Genome position (GRCh38, 1-based): chr5:138,187,151, G>A. VCF-style: chr5-138187151-G-A. GRCh37 (hg19) VCF-style: chr5-137522840-G-A.
Other names: c.2411G>A (NM_005733.2); short protein forms R804Q.
Identifiers: ClinVar variation 2420386 (VCV002420386.7), dbSNP rs201151118, ClinGen allele CA3426915.
Genomic context (GRCh38, chr5:138,187,151, plus strand): 5'-CTTAGGACCAGACTCTGGCTGAACTGCAGAACAACATGGTGCTAGTGAAACTGGACCTTC[G>A]GAAGAAGGCAGCATGTATTGCTGAGCAGTATCATACTGTGTTGAAACTCCAAGGCCAGGT-3'
Protein context (NP_005724.1, residues 794-814): NNMVLVKLDL[Arg804Gln]KKAACIAEQY